The following is an entry in ClinVar:

NM_001291303.3(FAT4):c.9938C>T (p.Ala3313Val)

Gene: FAT4 (FAT atypical cadherin 4; plus strand). Cytogenetic location: 4q28.1.
Variant type: single nucleotide variant.
Coding change: c.9938C>T on transcript NM_001291303.3 (MANE Select); coding-DNA position 9938, C replaced by T.
Protein change: p.Ala3313Val; replaces alanine 3313 with valine.
Molecular consequence: missense variant.
Genome position (GRCh38, 1-based): chr4:125,450,948, C>T. VCF-style: chr4-125450948-C-T. GRCh37 (hg19) VCF-style: chr4-126372103-C-T.
Other names: c.9938C>T, p.Ala3313Val (NM_001291285.3); c.9932C>T, p.Ala3311Val (NM_024582.6); c.9932C>T (NM_024582.4); short protein forms A3313V, A3311V.
Identifiers: ClinVar variation 2720958 (VCV002720958.4), dbSNP rs772498965, ClinGen allele CA3073602.

ClinVar aggregate classification (germline): Uncertain significance. Review status: criteria provided, multiple submitters, no conflicts (2 of 4 stars). 4 submissions from 4 submitters: Uncertain significance (4). Last evaluated 2025-12-28.

Conditions:
Van Maldergem syndrome 2 (VMLDS2). Identifiers: Orphanet 314679, MedGen C3809875, MONDO:0014242, OMIM 615546.
Hennekam lymphangiectasia-lymphedema syndrome 2 (HKLLS2). Identifiers: Orphanet 2136, MedGen C4014939, MONDO:0014454, OMIM 616006.
Inborn genetic diseases. Identifiers: MedGen C0950123, MeSH D030342.

Allele frequency attached by ClinVar (database versions not stated): ExAC 0.00001; gnomAD 0.00001; gnomAD exomes 0.00001; TOPMed 0.00003.
gnomAD v4.1: 20 of 1,614,000 alleles (0.0012%); highest among the groups gnomAD compares: Non-Finnish European, 0.0017%; no homozygotes.

Submissions (4):

Clinical Genomics Laboratory, Washington University in St. Louis
Classification: Uncertain significance for Van Maldergem syndrome 2; Hennekam lymphangiectasia-lymphedema syndrome 2. Last evaluated: 2025-12-28. Review status: criteria provided, single submitter. Criteria: ACMG Guidelines, 2015. Collection method: clinical testing. Allele origin: germline.
Comment: A FAT4 c.9938C>T (p.Ala3313Val) variant was identified at a near heterozygous allelic fraction of 48%, a frequency which may be consistent with it being of germline origin. This variant, to our knowledge, has not been reported in the medical literature but has been reported in the ClinVar database as a germline variant of uncertain significance by three submitters (ClinVar variation ID: 2720958). It is observed on 20/1,614,000 alleles in the general population (gnomAD v4.1.0). Computational predictors are uncertain as to the impact of this variant on FAT4 function. Due to limited information, and based on ACMG/AMP guidelines for variant interpretation (Richards S et al., PMID: 25741868), the clinical significance of this variant is uncertain at this time.

GeneDx
Classification: Uncertain significance. Last evaluated: 2025-01-09. Review status: criteria provided, single submitter. Criteria: GeneDx Variant Classification Process June 2021. Collection method: clinical testing. Allele origin: germline. Affected: yes.
Comment: Not observed at significant frequency in large population cohorts (gnomAD); In silico analysis supports that this missense variant has a deleterious effect on protein structure/function; Has not been previously published as pathogenic or benign to our knowledge

Ambry Genetics
Classification: Uncertain significance for Inborn genetic diseases. Last evaluated: 2024-12-30. Review status: criteria provided, single submitter. Criteria: Ambry Variant Classification Scheme 2023. Collection method: clinical testing. Allele origin: germline.

Labcorp Genetics (formerly Invitae), Labcorp
Classification: Uncertain significance. Last evaluated: 2024-01-14. Review status: criteria provided, single submitter. Criteria: Invitae Variant Classification Sherloc (09022015). Collection method: clinical testing. Allele origin: germline.
Comment: This sequence change replaces alanine, which is neutral and non-polar, with valine, which is neutral and non-polar, at codon 3311 of the FAT4 protein (p.Ala3311Val). This variant is present in population databases (rs772498965, gnomAD 0.002%). This variant has not been reported in the literature in individuals affected with FAT4-related conditions. Advanced modeling of protein sequence and biophysical properties (such as structural, functional, and spatial information, amino acid conservation, physicochemical variation, residue mobility, and thermodynamic stability) performed at Invitae indicates that this missense variant is not expected to disrupt FAT4 protein function with a negative predictive value of 80%. In summary, the available evidence is currently insufficient to determine the role of this variant in disease. Therefore, it has been classified as a Variant of Uncertain Significance.

Literature cited by the submitters: uncertain (cited by Clinical Genomics Laboratory, Washington University in St. Louis).